The following is an entry in ClinVar:

NM_000059.4(BRCA2):c.107C>A (p.Ser36Tyr)

Gene: BRCA2 (BRCA2 DNA repair associated; plus strand). Cytogenetic location: 13q13.1.
Variant type: single nucleotide variant.
Coding change: c.107C>A on transcript NM_000059.4 (MANE Select); coding-DNA position 107, C replaced by A.
Protein change: p.Ser36Tyr; replaces serine 36 with tyrosine.
Molecular consequence: missense variant.
Genome position (GRCh38, 1-based): chr13:32,319,116, C>A. VCF-style: chr13-32319116-C-A. GRCh37 (hg19) VCF-style: chr13-32893253-C-A.
Other names: short protein forms S36Y.
Identifiers: ClinVar variation 574184 (VCV000574184.10), dbSNP rs730881554, ClinGen allele CA387754174.

ClinVar aggregate classification (germline): Conflicting classifications of pathogenicity. Review status: criteria provided, conflicting classifications (1 of 4 stars). 2 submissions from 2 submitters: Uncertain significance (1); Likely benign (1). Last evaluated 2025-06-23.

Conditions:
Hereditary breast ovarian cancer syndrome. Also called: BRCA1- and BRCA2-Associated Hereditary Breast and Ovarian Cancer; Hereditary breast and ovarian cancer; Hereditary breast and/or ovarian cancer syndrome; Hereditary breast and ovarian cancer syndrome; Hereditary breast and ovarian cancer syndrome (HBOC); Breast and ovarian cancer. Identifiers: Orphanet 145, MedGen C0677776, MeSH D061325, MONDO:0003582. Disease mechanism: loss of function.
Hereditary cancer-predisposing syndrome. Also called: Neoplastic Syndromes, Hereditary; Hereditary Cancer Syndrome; Tumor predisposition; Hereditary neoplastic syndrome. Identifiers: Orphanet 140162, MedGen C0027672, MeSH D009386, MONDO:0015356.

Allele frequency attached by ClinVar (database versions not stated): gnomAD 0.00001.
gnomAD v4.1: 1 of 1,612,994 alleles (0.000062%); highest among the groups gnomAD compares: African/African-American, 0.0013%; no homozygotes.

Submissions (2):

Ambry Genetics
Classification: Likely benign for Hereditary cancer-predisposing syndrome. Last evaluated: 2025-06-23. Review status: criteria provided, single submitter. Criteria: Ambry Variant Classification Scheme 2023. Collection method: clinical testing. Allele origin: germline.

Labcorp Genetics (formerly Invitae), Labcorp
Classification: Uncertain significance for Hereditary breast ovarian cancer syndrome. Last evaluated: 2018-03-19. Review status: criteria provided, single submitter. Criteria: Invitae Variant Classification Sherloc (09022015). Collection method: clinical testing. Allele origin: germline.
Comment: In summary, the available evidence is currently insufficient to determine the role of this variant in disease. Therefore, it has been classified as a Variant of Uncertain Significance. Algorithms developed to predict the effect of missense changes on protein structure and function (SIFT, PolyPhen-2, Align-GVGD) all suggest that this variant is likely to be tolerated, but these predictions have not been confirmed by published functional studies and their clinical significance is uncertain. This variant has not been reported in the literature in individuals with BRCA2-related disease. The variant is also known as c.335C>A (p.Ser36Tyr). This variant is not present in population databases (ExAC no frequency). This sequence change replaces serine with tyrosine at codon 36 of the BRCA2 protein (p.Ser36Tyr). The serine residue is weakly conserved and there is a large physicochemical difference between serine and tyrosine.